The following is an entry in ClinVar:

ClinVar aggregate classification (germline): Conflicting classifications of pathogenicity. Review status: criteria provided, conflicting classifications (1 of 4 stars). 2 submissions from 2 submitters: Pathogenic (1); Uncertain significance (1). Last evaluated 2023-02-01.

Conditions:
Hereditary spastic paraplegia 4. Also called: Spastic paraplegia 4, autosomal dominant; Spastic Paraplegia 4; Familial spastic paraplegia autosomal dominant 2. Identifiers: Orphanet 100985, MedGen C1866855, MONDO:0008438, OMIM 182601.

Submissions (2):

Athena Diagnostics
Classification: Uncertain significance. Last evaluated: 2023-02-01. Review status: criteria provided, single submitter. Criteria: Athena Diagnostics Criteria. Collection method: clinical testing. Allele origin: unknown.
Comment: Available data are insufficient to determine the clinical significance of the variant at this time. This variant has been identified in at least one individual with clinical features associated with this gene. This variant has not been reported in large, multi-ethnic general populations. The variant is located in a region that is considered important for protein function and/or structure. Computational tools predict that this variant is damaging.

Paris Brain Institute, Inserm - ICM
Classification: Pathogenic for Hereditary spastic paraplegia 4. Review status: criteria provided, single submitter. Criteria: ACMG Guidelines, 2015. Collection method: clinical testing. Allele origin: unknown. Affected: yes. Observed: 1 variant allele.

Literature cited by the submitters: PubMed 24451228 (cited by Athena Diagnostics); PubMed 25045380 (cited by Athena Diagnostics); PubMed 27108959 (cited by Athena Diagnostics).

NM_014946.4(SPAST):c.1105A>C (p.Thr369Pro)

Gene: SPAST (spastin; plus strand). Cytogenetic location: 2p22.3.
Variant type: single nucleotide variant.
Coding change: c.1105A>C on transcript NM_014946.4 (MANE Select); coding-DNA position 1105, A replaced by C.
Protein change: p.Thr369Pro; replaces threonine 369 with proline.
Molecular consequence: missense variant.
Genome position (GRCh38, 1-based): chr2:32,126,954, A>C. VCF-style: chr2-32126954-A-C. GRCh37 (hg19) VCF-style: chr2-32352023-A-C.
Other names: c.1105A>C (NM_014946.3); c.1102A>C, p.Thr368Pro (NM_001363823.2); c.1006A>C, p.Thr336Pro (NM_001363875.2); c.1009A>C, p.Thr337Pro (NM_001377959.1, NM_199436.2); short protein forms T336P, T337P, T368P, T369P.
Identifiers: ClinVar variation 989106 (VCV000989106.2), dbSNP rs1553316802, ClinGen allele CA346501207.